The following is an entry in ClinVar:

ClinVar aggregate classification (germline): Uncertain significance (1 of 4 stars; one submission).

Submission:

GeneDx
Classification: Uncertain significance. Last evaluated: 2023-01-10. Review status: criteria provided, single submitter. Criteria: GeneDx Variant Classification Process June 2021. Collection method: clinical testing. Allele origin: germline. Affected: yes.
Comment: Not observed at significant frequency in large population cohorts (gnomAD); In silico analysis supports that this missense variant does not alter protein structure/function; Has not been previously published as pathogenic or benign to our knowledge; This variant is associated with the following publications: (PMID: 25641508)

NM_001278116.2(L1CAM):c.3341C>T (p.Pro1114Leu)

Gene: L1CAM (L1 cell adhesion molecule; minus strand). Cytogenetic location: Xq28.
Variant type: single nucleotide variant.
Coding change: c.3341C>T on transcript NM_001278116.2 (MANE Select); coding-DNA position 3341, C replaced by T.
Protein change: p.Pro1114Leu; replaces proline 1114 with leucine.
Molecular consequence: missense variant.
Genome position (GRCh38, 1-based): chrX:153,863,999, G>A on the plus strand (C>T on the coding strand, the complement: L1CAM is on the minus strand). VCF-style: chrX-153863999-G-A. GRCh37 (hg19) VCF-style: chrX-153129454-G-A.
Other names: c.3341C>T, p.Pro1114Leu (NM_000425.5, NM_024003.3); c.3326C>T, p.Pro1109Leu (NM_001143963.2); short protein forms P1109L, P1114L.
Identifiers: ClinVar variation 2572001 (VCV002572001.1), dbSNP rs2520961624, ClinGen allele CA415110076.